The following is an entry in ClinVar:

ClinVar aggregate classification (germline): Uncertain significance (1 of 4 stars; one submission).

gnomAD v4.1: 3 of 1,578,004 alleles (0.00019%); highest among the groups gnomAD compares: Admixed American, 0.0053%; no homozygotes.

Submission:

Ambry Genetics
Classification: Uncertain significance. Last evaluated: 2025-10-14. Review status: criteria provided, single submitter. Criteria: Ambry Variant Classification Scheme 2023. Collection method: clinical testing. Allele origin: germline.
Comment: The c.16412C>T (p.P5471L) alteration is located in exon 41 (coding exon 41) of the MUC5B gene. This alteration results from a C to T substitution at nucleotide position 16412, causing the proline (P) at amino acid position 5471 to be replaced by a leucine (L). Based on data from gnomAD, the T allele has an overall frequency of <0.001% (1/196586) total alleles studied. The highest observed frequency was 0.003% (1/29538) of Latino alleles. Based on insufficient or conflicting evidence, the clinical significance of this alteration remains unclear.

NM_002458.3(MUC5B):c.16412C>T (p.Pro5471Leu)

Gene: MUC5B (mucin 5B, oligomeric mucus/gel-forming; plus strand). Cytogenetic location: 11p15.5.
Variant type: single nucleotide variant.
Coding change: c.16412C>T on transcript NM_002458.3 (MANE Select); coding-DNA position 16412, C replaced by T.
Protein change: p.Pro5471Leu; replaces proline 5471 with leucine.
Molecular consequence: missense variant.
Genome position (GRCh38, 1-based): chr11:1,257,672, C>T. VCF-style: chr11-1257672-C-T. GRCh37 (hg19) VCF-style: chr11-1278902-C-T.
Other names: short protein forms P5471L.
Identifiers: ClinVar variation 4554309 (VCV004554309.1).